The following is an entry in ClinVar:

ClinVar aggregate classification (germline): Conflicting classifications of pathogenicity. Review status: criteria provided, conflicting classifications (1 of 4 stars). 2 submissions from 2 submitters: Uncertain significance (1); Likely benign (1). Last evaluated 2025-06-08.

Conditions:
Baller-Gerold syndrome (BGS). Also called: CRANIOSYNOSTOSIS WITH RADIAL DEFECTS. Identifiers: Orphanet 1225, MedGen C0265308, MONDO:0009039, OMIM 218600.
Inborn genetic diseases. Identifiers: MedGen C0950123, MeSH D030342.

Allele frequency attached by ClinVar (database versions not stated): gnomAD 0.00001; gnomAD exomes 0.00001; TOPMed 0.00001.
gnomAD v4.1: 3 of 1,609,910 alleles (0.00019%); highest among the groups gnomAD compares: Middle Eastern, 0.017%; no homozygotes.

Submissions (2):

Labcorp Genetics (formerly Invitae), Labcorp
Classification: Uncertain significance for Baller-Gerold syndrome. Last evaluated: 2025-06-08. Review status: criteria provided, single submitter. Criteria: Invitae Variant Classification Sherloc (09022015). Collection method: clinical testing. Allele origin: germline.
Comment: This sequence change replaces proline, which is neutral and non-polar, with leucine, which is neutral and non-polar, at codon 188 of the RECQL4 protein (p.Pro188Leu). This variant is present in population databases (rs773241386, gnomAD 0.006%). This variant has not been reported in the literature in individuals affected with RECQL4-related conditions. ClinVar contains an entry for this variant (Variation ID: 659077). Invitae Evidence Modeling of protein sequence and biophysical properties (such as structural, functional, and spatial information, amino acid conservation, physicochemical variation, residue mobility, and thermodynamic stability) has been performed for this missense variant. However, the output from this modeling did not meet the statistical confidence thresholds required to predict the impact of this variant on RECQL4 protein function. In summary, the available evidence is currently insufficient to determine the role of this variant in disease. Therefore, it has been classified as a Variant of Uncertain Significance.

Ambry Genetics
Classification: Likely benign for Inborn genetic diseases. Last evaluated: 2024-12-09. Review status: criteria provided, single submitter. Criteria: Ambry Variant Classification Scheme 2023. Collection method: clinical testing. Allele origin: germline.

NM_004260.4(RECQL4):c.563C>T (p.Pro188Leu)

Gene: RECQL4 (RecQ like helicase 4; minus strand). Cytogenetic location: 8q24.3.
Variant type: single nucleotide variant.
Coding change: c.563C>T on transcript NM_004260.4 (MANE Select); coding-DNA position 563, C replaced by T.
Protein change: p.Pro188Leu; replaces proline 188 with leucine.
Molecular consequence: missense variant.
Genome position (GRCh38, 1-based): chr8:144,516,556, G>A on the plus strand (C>T on the coding strand, the complement: RECQL4 is on the minus strand). VCF-style: chr8-144516556-G-A. GRCh37 (hg19) VCF-style: chr8-145741940-G-A.
Other names: short protein forms P188L.
Identifiers: ClinVar variation 659077 (VCV000659077.8), dbSNP rs773241386, ClinGen allele CA4949248.
Genomic context (GRCh38, chr8:144,516,556, plus strand): 5'-CAGGCTTTGGGGGCCCCCAGAAAATCTGGGACCTCACTGTGACATCGCTGTAACCAGCCA[G>A]GATCTAGGGAGCCCAGCCGCTGGCTCAGGGATGCCTGCAGATGCTGGAGCCGGCCTGGCC-3'
Protein context (NP_004251.4, residues 178-198): SLSQRLGSLD[Pro188Leu]GWLQRCHSEV